The following is an entry in ClinVar:

ClinVar aggregate classification (germline): Uncertain significance (0 of 4 stars; one submission).

Conditions:
CAMTA1-related disorder. Also called: CAMTA1-related condition.

Submission:

PreventionGenetics, part of Exact Sciences
Classification: Uncertain significance for CAMTA1-related condition. Last evaluated: 2023-12-29. Review status: no assertion criteria provided. Collection method: clinical testing. Allele origin: germline.
Comment: The CAMTA1 c.3025G>A variant is predicted to result in the amino acid substitution p.Gly1009Arg. To our knowledge, this variant has not been reported in the literature or in a large population database, indicating this variant is rare. Although we suspect that this variant may be pathogenic, at this time, the clinical significance of this variant is uncertain due to the absence of conclusive functional and genetic evidence.

NM_015215.4(CAMTA1):c.3025G>A (p.Gly1009Arg)

Gene: CAMTA1 (calmodulin binding transcription activator 1; plus strand). Cytogenetic location: 1p36.23.
Variant type: single nucleotide variant.
Coding change: c.3025G>A on transcript NM_015215.4 (MANE Select); coding-DNA position 3025, G replaced by A.
Protein change: p.Gly1009Arg; replaces glycine 1009 with arginine.
Molecular consequence: missense variant.
Genome position (GRCh38, 1-based): chr1:7,732,558, G>A. VCF-style: chr1-7732558-G-A. GRCh37 (hg19) VCF-style: chr1-7792618-G-A.
Other names: c.2935G>A, p.Gly979Arg (NM_001349608.2, NM_001349612.2); c.3025G>A, p.Gly1009Arg (NM_001349609.2, NM_001349610.2, NM_001410737.1); c.154G>A, p.Gly52Arg (NM_001349613.1); c.97G>A, p.Gly33Arg (NM_001349614.1, NM_001349615.2, NM_001349616.2 and 10 more transcripts); c.2953G>A, p.Gly985Arg (NM_001410738.1); short protein forms G1009R, G33R, G52R, G979R, G985R.
Identifiers: ClinVar variation 3032718 (VCV003032718.2), dbSNP rs2523009433, ClinGen allele CA338142469.